The following is an entry in ClinVar:

ClinVar aggregate classification (germline): Pathogenic (1 of 4 stars; one submission).

Conditions:
Neurofibromatosis, type 1 (NF1). Also called: Peripheral type neurofibromatosis; VON RECKLINGHAUSEN DISEASE; NEUROFIBROMATOSIS, TYPE I, SOMATIC; Neurofibromatosis, type I. Identifiers: Orphanet 636, MedGen C0027831, MONDO:0018975, OMIM 162200. Disease mechanism: loss of function.

Submission:

Labcorp Genetics (formerly Invitae), Labcorp
Classification: Pathogenic for Neurofibromatosis, type 1. Last evaluated: 2024-01-17. Review status: criteria provided, single submitter. Criteria: Invitae Variant Classification Sherloc (09022015). Collection method: clinical testing. Allele origin: germline.
Comment: This sequence change creates a premature translational stop signal (p.Ala320Valfs*56) in the NF1 gene. It is expected to result in an absent or disrupted protein product. Loss-of-function variants in NF1 are known to be pathogenic (PMID: 10712197, 23913538). This variant is not present in population databases (gnomAD no frequency). This variant has not been reported in the literature in individuals affected with NF1-related conditions. Algorithms developed to predict the effect of sequence changes on RNA splicing suggest that this variant may disrupt the consensus splice site. For these reasons, this variant has been classified as Pathogenic.

Literature cited by the submitters: PubMed 10712197; PubMed 23913538.

NM_001042492.3(NF1):c.959del (p.Ala320fs)

Gene: NF1 (neurofibromin 1; plus strand). Cytogenetic location: 17q11.2.
Variant type: Deletion.
Coding change: c.959del on transcript NM_001042492.3 (MANE Select); coding-DNA position 959, one base deleted (C; older notation c.959delC).
Protein change: p.Ala320fs; shifts the reading frame from alanine 320.
Molecular consequence: frameshift variant.
Genome position (GRCh38, 1-based): chr17:31,200,492, C deleted. VCF-style (leftmost placement, unchanged base first): chr17-31200491-GC-G. GRCh37 (hg19) VCF-style: chr17-29527509-GC-G.
Other names: c.959delC, p.Ala320Valfs (NM_000267.4); c.959del, p.Ala320fs (NM_001128147.3); short protein forms A320fs.
Identifiers: ClinVar variation 2709787 (VCV002709787.3), dbSNP rs2544793785, ClinGen allele CA2697559670.